The following is an entry in ClinVar:

ClinVar aggregate classification (germline): Uncertain significance (1 of 4 stars; one submission).

Conditions:
Pyruvate carboxylase deficiency. Also called: PC DEFICIENCY; ATAXIA WITH LACTIC ACIDOSIS II; LEIGH NECROTIZING ENCEPHALOPATHY DUE TO PYRUVATE CARBOXYLASE DEFICIENCY; LEIGH SYNDROME DUE TO PYRUVATE CARBOXYLASE DEFICIENCY; Pyruvate Carboxylase Deficiency Disease. Identifiers: Orphanet 3008, MedGen C0034341, MONDO:0009949, OMIM 266150.

Allele frequency attached by ClinVar (database versions not stated): gnomAD exomes below 0.00001 and 0.00001; ExAC 0.00001; TOPMed 0.00001.
gnomAD v4.1: 5 of 1,613,314 alleles (0.00031%); highest among the groups gnomAD compares: Non-Finnish European, 0.00042%; no homozygotes.

Submission:

Labcorp Genetics (formerly Invitae), Labcorp
Classification: Uncertain significance for Pyruvate carboxylase deficiency. Last evaluated: 2021-08-27. Review status: criteria provided, single submitter. Criteria: Invitae Variant Classification Sherloc (09022015). Collection method: clinical testing. Allele origin: germline.
Comment: This sequence change replaces valine with isoleucine at codon 111 of the PC protein (p.Val111Ile). The valine residue is highly conserved and there is a small physicochemical difference between valine and isoleucine. This variant is present in population databases (rs753573264, ExAC 0.002%). This variant has not been reported in the literature in individuals affected with PC-related conditions. Algorithms developed to predict the effect of missense changes on protein structure and function are either unavailable or do not agree on the potential impact of this missense change (SIFT: "Tolerated"; PolyPhen-2: "Possibly Damaging"; Align-GVGD: "Class C0"). In summary, the available evidence is currently insufficient to determine the role of this variant in disease. Therefore, it has been classified as a Variant of Uncertain Significance.

NM_001040716.2(PC):c.331G>A (p.Val111Ile)

Gene: PC (pyruvate carboxylase; minus strand). Cytogenetic location: 11q13.2.
Variant type: single nucleotide variant.
Coding change: c.331G>A on transcript NM_001040716.2 (MANE Select); coding-DNA position 331, G replaced by A.
Protein change: p.Val111Ile; replaces valine 111 with isoleucine.
Molecular consequence: missense variant.
Genome position (GRCh38, 1-based): chr11:66,871,471, C>T on the plus strand (G>A on the coding strand, the complement: PC is on the minus strand). VCF-style: chr11-66871471-C-T. GRCh37 (hg19) VCF-style: chr11-66638942-C-T.
Other names: c.331G>A, p.Val111Ile (NM_000920.4, NM_022172.3); short protein forms V111I.
Identifiers: ClinVar variation 527896 (VCV000527896.3), dbSNP rs753573264, ClinGen allele CA6132240.